The following is an entry in ClinVar:

NM_001039141.3(TRIOBP):c.390dup (p.Gly131fs)

Gene: TRIOBP (TRIO and F-actin binding protein; plus strand). Cytogenetic location: 22q13.1.
Variant type: Duplication.
Coding change: c.390dup on transcript NM_001039141.3 (MANE Select); coding-DNA position 390, one base duplicated (C; older notation c.390dupC).
Protein change: p.Gly131fs; shifts the reading frame from glycine 131.
Molecular consequence: frameshift variant.
Genome position (GRCh38, 1-based): chr22:37,713,345, C duplicated; the last of 4 consecutive C bases (chr22:37,713,342-37,713,345); duplicating any one gives the same sequence. VCF-style (leftmost placement, unchanged base first): chr22-37713341-A-AC. GRCh37 (hg19) VCF-style: chr22-38109348-A-AC.
Other names: short protein forms G131fs.
Identifiers: ClinVar variation 3075870 (VCV003075870.1), dbSNP rs2518161108, ClinGen allele CA2825002885.

ClinVar aggregate classification (germline): Likely pathogenic (1 of 4 stars; one submission).

Conditions:
Rare genetic deafness. Identifiers: Orphanet 96210, MedGen C5680250.

Submission:

Laboratory for Molecular Medicine, Mass General Brigham Personalized Medicine
Classification: Likely pathogenic for Rare genetic deafness. Last evaluated: 2022-06-30. Review status: criteria provided, single submitter. Criteria: ACMG Guidelines, 2015. Collection method: clinical testing. Allele origin: germline.
Comment: The p.Gly131ArgfsX3 in TRIOBP has not been previously reported in individuals with nonsyndromic hearing loss and was absent from large population studies. This variant is predicted to cause a frameshift, which alters the protein’s amino acid sequence beginning at position 131 and leads to a premature termination codon 3 amino acids downstream. Loss of function variants in the TRIOBP is an established disease mechanism in autosomal recessive nonsyndromic hearing loss. In summary, although additional studies are required to fully establish its clinical significance, this variant meets criteria to be classified as likely pathogenic for autosomal recessive nonsyndromic hearing loss. ACMG/AMP criteria applied: PVS1, PM2_Supporting.